The following is an entry in ClinVar:

NM_006005.3(WFS1):c.2477G>A (p.Ser826Asn)

Gene: WFS1 (wolframin ER transmembrane glycoprotein; plus strand). Cytogenetic location: 4p16.1.
Variant type: single nucleotide variant.
Coding change: c.2477G>A on transcript NM_006005.3 (MANE Select); coding-DNA position 2477, G replaced by A.
Protein change: p.Ser826Asn; replaces serine 826 with asparagine.
Molecular consequence: missense variant.
Genome position (GRCh38, 1-based): chr4:6,302,272, G>A. VCF-style: chr4-6302272-G-A. GRCh37 (hg19) VCF-style: chr4-6303999-G-A.
Other names: c.2477G>A, p.Ser826Asn (NM_001145853.1); short protein forms S826N.
Identifiers: ClinVar variation 1048084 (VCV001048084.5), dbSNP rs1730968028, ClinGen allele CA356178658.

ClinVar aggregate classification (germline): Likely pathogenic/Likely risk allele. Review status: criteria provided, multiple submitters, no conflicts (2 of 4 stars). 3 submissions from 3 submitters: Likely pathogenic (1); Likely risk allele (1). 1 of the submissions does not count toward it.

Conditions:
Wolfram syndrome 1 (WFS1). Identifiers: Orphanet 3463, MedGen C4551693, MONDO:0009101, OMIM 222300.
Autosomal dominant nonsyndromic hearing loss 6 (LFSNHL). Also called: Autosomal dominant nonsyndromic deafness 6; DEAFNESS, AUTOSOMAL DOMINANT 6; DEAFNESS, AUTOSOMAL DOMINANT 14; DEAFNESS, AUTOSOMAL DOMINANT 38. Identifiers: Orphanet 90635, MedGen C1833021, MONDO:0010963, OMIM 600965.

Submissions (3):

Clinical Genetics Service, Universitary Hospital 12 de Octubre
Classification: Likely pathogenic for Autosomal dominant nonsyndromic hearing loss 6. Review status: criteria provided, single submitter. Criteria: ACMG Guidelines, 2015. Collection method: clinical testing. Allele origin: germline. Affected: yes.

Clinical Genomics, Uppaluri K&H Personalized Medicine Clinic
Classification: Likely risk allele for Wolfram syndrome 1. Review status: criteria provided, single submitter. Criteria: K & H Uppaluri Personalized Medicine Clinic Variant Classification & Assertion Criteria_Updated V.1. Collection method: research. Allele origin: unknown. Inheritance: Autosomal recessive inheritance.
Comment: Potent mutations in WFS1 gene are associated with Wolfram's syndrome, an autosomal recessive condition, which cause diabetes mellitus, diabetes insipidus, deafness and optic atrophy. However no sufficient evidence is found to ascertain the role of this particular variant rs1730968028 in Wolfram's syndrome yet.

HUSP Clinical Genetics Laboratory, Hospital Universitario San Pedro De Logroño (HUSP)
Classification: Pathogenic for Autosomal dominant nonsyndromic hearing loss 6. Last evaluated: 2019-05-14. Review status: no assertion criteria provided. Collection method: clinical testing. Allele origin: inherited. Inheritance: Autosomal dominant inheritance. Affected: yes. Observed: 4 variant alleles, 4 heterozygotes. Clinical features observed: Congenital sensorineural hearing impairment (HP:0008527). Not counted in ClinVar's aggregate classification.
Comment: The c.2477 G>A variant, located in coding exon 8 of the WFS1 gene (NM_006005.3), results from a G to A substitution at nucleotide position 2477. The serine at codon 826 is replaced by asparagine (p.Ser826Asn). This alteration has not been reported previously in the literature and it is not detected in general population. In-silico tools predict that it is very likely to affect protein function. Heterozygous pathological variants in the WFS1 gene are associated with the phenotype of Deafness autosomal dominant 6 (OMIM: 600965). Therefore, we consider that clinical significance of c.2477 G>A variant is pathogenic.

Literature cited by the submitters: PubMed 20738327 (cited by Clinical Genomics, Uppaluri K&H Personalized Medicine Clinic); PubMed 33879153 (cited by Clinical Genomics, Uppaluri K&H Personalized Medicine Clinic); PubMed 12955714 (cited by Clinical Genomics, Uppaluri K&H Personalized Medicine Clinic); PubMed 18060660 (cited by Clinical Genomics, Uppaluri K&H Personalized Medicine Clinic); PubMed 20301750 (cited by Clinical Genomics, Uppaluri K&H Personalized Medicine Clinic); PubMed 17603484 (cited by Clinical Genomics, Uppaluri K&H Personalized Medicine Clinic).